The following is an entry in ClinVar:

NM_201596.3(CACNB2):c.1891A>G (p.Lys631Glu)

Gene: CACNB2 (calcium voltage-gated channel auxiliary subunit beta 2; plus strand). Cytogenetic location: 10p12.31.
Variant type: single nucleotide variant.
Coding change: c.1891A>G on transcript NM_201596.3 (MANE Select); coding-DNA position 1891, A replaced by G.
Protein change: p.Lys631Glu; replaces lysine 631 with glutamic acid.
Molecular consequence: missense variant.
Genome position (GRCh38, 1-based): chr10:18,539,632, A>G. VCF-style: chr10-18539632-A-G. GRCh37 (hg19) VCF-style: chr10-18828561-A-G.
Other names: c.1726A>G, p.Lys576Glu (NM_000724.4); c.1693A>G, p.Lys565Glu (NM_001167945.2); c.1612A>G, p.Lys538Glu (NM_001330060.2); c.1747A>G, p.Lys583Glu (NM_201570.3); c.1807A>G, p.Lys603Glu (NM_201571.4); c.1735A>G, p.Lys579Glu (NM_201572.4); c.1729A>G, p.Lys577Glu (NM_201590.3); c.1777A>G, p.Lys593Glu (NM_201593.3); and 1 more; short protein forms K577E, K631E, K607E, K538E, K576E, K593E, K603E, K565E.
Identifiers: ClinVar variation 420386 (VCV000420386.11), dbSNP rs200613235, ClinGen allele CA5430196.
Genomic context (GRCh38, chr10:18,539,632, plus strand): 5'-GACGTGGATCGAGAGCAGGACCACAACGAGTGCAACAAGCAGCGCAGCCGTCATAAATCC[A>G]AGGATCGCTACTGTGAAAAGGATGGAGAAGTGATATCAAAAAAACGGAATGAGGCTGGGG-3'
Protein context (NP_963890.2, residues 621-641): CNKQRSRHKS[Lys631Glu]DRYCEKDGEV

ClinVar aggregate classification (germline): Uncertain significance. Review status: criteria provided, multiple submitters, no conflicts (2 of 4 stars). 2 submissions from 2 submitters: Uncertain significance (2). Last evaluated 2023-05-01.

Conditions:
Brugada syndrome 4 (BRGDA4). Identifiers: Orphanet 130, MedGen C2678477, MONDO:0012743, OMIM 611876.

Allele frequency attached by ClinVar (database versions not stated): gnomAD exomes below 0.00001 and 0.00001; ExAC 0.00001; gnomAD 0.00001; TOPMed 0.00001; 1000 Genomes Project 30x 0.00016; 1000 Genomes Project 0.00020.

Submissions (2):

Labcorp Genetics (formerly Invitae), Labcorp
Classification: Uncertain significance for Brugada syndrome 4. Last evaluated: 2023-05-01. Review status: criteria provided, single submitter. Criteria: Invitae Variant Classification Sherloc (09022015). Collection method: clinical testing. Allele origin: germline.
Comment: This variant has not been reported in the literature in individuals affected with CACNB2-related conditions. In summary, the available evidence is currently insufficient to determine the role of this variant in disease. Therefore, it has been classified as a Variant of Uncertain Significance. An algorithm developed to predict the effect of missense changes on protein structure and function (PolyPhen-2) suggests that this variant is likely to be tolerated. ClinVar contains an entry for this variant (Variation ID: 420386). This variant is present in population databases (rs200613235, gnomAD 0.01%). This sequence change replaces lysine, which is basic and polar, with glutamic acid, which is acidic and polar, at codon 577 of the CACNB2 protein (p.Lys577Glu).

GeneDx
Classification: Uncertain significance. Last evaluated: 2016-01-21. Review status: criteria provided, single submitter. Criteria: GeneDx Variant Classification (06012015). Collection method: clinical testing. Allele origin: germline. Affected: yes.
Comment: A novel variant of uncertain significance has been identified in the CACNB2 gene. The K576E variant has not been published as a pathogenic variant, nor has it been reported as a benign variant to our knowledge. Although this variant was not observed in approximately 6,500 individuals of European and African American ancestry in the NHLBI Exome Sequencing Project, it has been reported at a low frequency (1/1006 alleles, 0.1%) in individuals of European ancestry in the 1000 Genomes Project. The K576E variant is a non-conservative amino acid substitution, which is likely to impact secondary protein structure as these residues differ in polarity, charge, size and/or other properties, and this substitution occurs at a position that is conserved in mammals. Another missense variant in a nearby residue (R571C) has been reported in the Human Gene Mutation Database in association with arrhythmia (Stenson et al., 2014), supporting the functional importance of this region of the protein. Nevertheless, in silico analysis is inconsistent in its predictions as to whether or not the variant is damaging to the protein structure/function.